The following is an entry in ClinVar:

ClinVar aggregate classification (germline): Likely benign (0 of 4 stars; one submission).

Conditions:
MAP1B-related disorder. Also called: MAP1B-related condition.

Allele frequency attached by ClinVar (database versions not stated): ESP Exome Variant Server 0.00008; 1000 Genomes Project 30x 0.00016; 1000 Genomes Project 0.00020.
gnomAD v4.1: 237 of 1,614,196 alleles (0.015%); highest among the groups gnomAD compares: South Asian, 0.16%; 4 homozygotes.

Submission:

PreventionGenetics, part of Exact Sciences
Classification: Likely benign for MAP1B-related condition. Last evaluated: 2022-11-29. Review status: no assertion criteria provided. Collection method: clinical testing. Allele origin: germline.
Comment: This variant is classified as likely benign based on ACMG/AMP sequence variant interpretation guidelines (Richards et al. 2015 PMID: 25741868, with internal and published modifications).

NM_005909.5(MAP1B):c.3751G>T (p.Val1251Phe)

Gene: MAP1B (microtubule associated protein 1B; plus strand). Cytogenetic location: 5q13.2.
Variant type: single nucleotide variant.
Coding change: c.3751G>T on transcript NM_005909.5 (MANE Select); coding-DNA position 3751, G replaced by T.
Protein change: p.Val1251Phe; replaces valine 1251 with phenylalanine.
Molecular consequence: missense variant.
Genome position (GRCh38, 1-based): chr5:72,197,106, G>T. VCF-style: chr5-72197106-G-T. GRCh37 (hg19) VCF-style: chr5-71492933-G-T.
Other names: c.3373G>T, p.Val1125Phe (NM_001324255.2); short protein forms V1125F, V1251F.
Identifiers: ClinVar variation 3045709 (VCV003045709.2), dbSNP rs150467659, ClinGen allele CA3299028.